The following is an entry in ClinVar:

NM_000435.3(NOTCH3):c.3427C>T (p.Arg1143Cys)

Gene: NOTCH3 (notch receptor 3; minus strand). Cytogenetic location: 19p13.12.
Variant type: single nucleotide variant.
Coding change: c.3427C>T on transcript NM_000435.3 (MANE Select); coding-DNA position 3427, C replaced by T.
Protein change: p.Arg1143Cys; replaces arginine 1143 with cysteine.
Molecular consequence: missense variant.
Genome position (GRCh38, 1-based): chr19:15,179,397, G>A on the plus strand (C>T on the coding strand, the complement: NOTCH3 is on the minus strand). VCF-style: chr19-15179397-G-A. GRCh37 (hg19) VCF-style: chr19-15290208-G-A.
Other names: p.Arg1143Cys; short protein forms R1143C.
Identifiers: ClinVar variation 804632 (VCV000804632.9), dbSNP rs60373464, ClinGen allele CA9263093.

ClinVar aggregate classification (germline): Conflicting classifications of pathogenicity. Review status: criteria provided, conflicting classifications (1 of 4 stars). 5 submissions from 5 submitters: Pathogenic (1); Likely pathogenic (1); Uncertain significance (3). Last evaluated 2024-08-08.

Conditions:
Cerebral arteriopathy, autosomal dominant, with subcortical infarcts and leukoencephalopathy, type 1 (CADASIL1). Also called: DEMENTIA, HEREDITARY MULTIINFARCT TYPE; CADASIL 1; CASIL; Cerebral arteriopathy with subcortical infarcts and leukoencephalopathy 1. Identifiers: Orphanet 136, MedGen C4551768, MONDO:0000914, OMIM 125310.

Allele frequency attached by ClinVar (database versions not stated): gnomAD exomes 0.00002 and 0.00010; gnomAD 0.00003; 1000 Genomes Project 0.00020; ExAC 0.00002; 1000 Genomes Project 30x 0.00016; TOPMed 0.00004.
gnomAD v4.1: 142 of 1,614,124 alleles (0.0088%); highest among the groups gnomAD compares: Non-Finnish European, 0.011%; no homozygotes.

Submissions (5):

Labcorp Genetics (formerly Invitae), Labcorp
Classification: Uncertain significance. Last evaluated: 2024-08-08. Review status: criteria provided, single submitter. Criteria: Invitae Variant Classification Sherloc (09022015). Collection method: clinical testing. Allele origin: germline.
Comment: This sequence change replaces arginine, which is basic and polar, with cysteine, which is neutral and slightly polar, at codon 1143 of the NOTCH3 protein (p.Arg1143Cys). This variant is present in population databases (rs60373464, gnomAD 0.005%). This missense change has been observed in individual(s) with NOTCH3-related conditions (PMID: 28991717, 32277177, 35822697, 36261288, 37479695). ClinVar contains an entry for this variant (Variation ID: 804632). Advanced modeling of protein sequence and biophysical properties (such as structural, functional, and spatial information, amino acid conservation, physicochemical variation, residue mobility, and thermodynamic stability) performed at Invitae indicates that this missense variant is expected to disrupt NOTCH3 protein function with a positive predictive value of 80%. In summary, the available evidence is currently insufficient to determine the role of this variant in disease. Therefore, it has been classified as a Variant of Uncertain Significance.

Clinical Genomics Laboratory, Washington University in St. Louis
Classification: Uncertain significance for Cerebral arteriopathy, autosomal dominant, with subcortical infarcts and leukoencephalopathy, type 1. Last evaluated: 2024-03-29. Review status: criteria provided, single submitter. Criteria: ACMG Guidelines, 2015. Collection method: clinical testing. Allele origin: germline.
Comment: The NOTCH3 c.3427C>T (p.Arg1143Cys) variant has been observed in one individual with cerebral arteriopathy with subcortical infarcts and leukoencephalopathy 1 (Mizuta I et al., PMID: 28991717). This variant is only observed on 5/282,650 alleles in the general population (gnomAD v.2.1.1), indicating it is not a common variant. This variant resides within the EGF-like domain 29, amino acids 1122-1155. Computational predictors are uncertain as to the impact of this variant on NOTCH3 function. This variant has been reported in the ClinVar database as a germline pathogenic, likely pathogenic, and variant of uncertain significance by four submitters. Due to limited information, and based on ACMG/AMP guidelines for variant interpretation (Richards S et al., PMID: 25741868), the clinical significance of this variant is uncertain at this time.

Athena Diagnostics
Classification: Pathogenic. Last evaluated: 2024-01-29. Review status: criteria provided, single submitter. Criteria: Athena Diagnostics Criteria. Collection method: clinical testing. Allele origin: unknown.
Comment: The frequency of this variant in the general population is consistent with pathogenicity. This variant has been identified in at least one individual with clinical features associated with CADASIL. Pathogenic variants in the EGF-like repeat domains 7-34 have a higher population frequency than variants in the EGF-like repeat domains 1-6. Therefore, variants in domains 7-34 may be associated with milder disease or may possibly be non-penetrant (PMID: 27844030, 30032161). This variant alters a critical location within the protein, and is expected to severely affect function and cause disease. Greater than 90% of NOTCH3 pathogenic variants associated with CADASIL involve the gain or loss of a cysteine residue within the epidermal growth factor (EGF)-like repeat domain (PMID: 32457593, 20301673).

Baylor Genetics
Classification: Likely pathogenic for Cerebral arteriopathy, autosomal dominant, with subcortical infarcts and leukoencephalopathy, type 1. Last evaluated: 2023-02-06. Review status: criteria provided, single submitter. Criteria: ACMG Guidelines, 2015. Collection method: clinical testing. Allele origin: unknown.

Mayo Clinic Laboratories, Mayo Clinic
Classification: Uncertain significance. Last evaluated: 2022-09-30. Review status: criteria provided, single submitter. Criteria: ACMG Guidelines, 2015. Collection method: clinical testing. Allele origin: germline. Observed: 1 variant allele.
Comment: PM1

Literature cited by the submitters: PubMed 28991717 (cited by 3 submitters); PubMed 32277177 (cited by 3 submitters); PubMed 35822697 (cited by Labcorp Genetics (formerly Invitae), Labcorp and Mayo Clinic Laboratories, Mayo Clinic); PubMed 36261288 (cited by Labcorp Genetics (formerly Invitae), Labcorp); PubMed 37479695 (cited by Labcorp Genetics (formerly Invitae), Labcorp); PubMed 27844030 (cited by Athena Diagnostics and Mayo Clinic Laboratories, Mayo Clinic); PubMed 30956055 (cited by Athena Diagnostics and Mayo Clinic Laboratories, Mayo Clinic); PubMed 32732295 (cited by Mayo Clinic Laboratories, Mayo Clinic); PubMed 33161845 (cited by Mayo Clinic Laboratories, Mayo Clinic); PubMed 36044383 (cited by Mayo Clinic Laboratories, Mayo Clinic).